The following is an entry in ClinVar:

ClinVar aggregate classification (germline): Uncertain significance. Review status: criteria provided, multiple submitters, no conflicts (2 of 4 stars). 3 submissions from 3 submitters: Uncertain significance (3). Last evaluated 2023-04-18.

Conditions:
Progressive familial heart block type IB (PFHB1B). Identifiers: Orphanet 871, MedGen C1970298, MONDO:0011474, OMIM 604559.
Erythrokeratodermia variabilis et progressiva 6. Identifiers: MedGen C5193144, MONDO:0032801, OMIM 618531.
Cardiovascular phenotype. Identifiers: MedGen CN230736.

Submissions (3):

Ambry Genetics
Classification: Uncertain significance for Cardiovascular phenotype. Last evaluated: 2023-04-18. Review status: criteria provided, single submitter. Criteria: Ambry Variant Classification Scheme 2023. Collection method: clinical testing. Allele origin: germline.
Comment: The c.2513dupG variant, located in coding exon 17 of the TRPM4 gene, results from a duplication of G at nucleotide position 2513, causing a translational frameshift with a predicted alternate stop codon (p.S839Qfs*120). This alteration is expected to result in protein truncation or nonsense-mediated mRNA decay. However, loss of function of TRPM4 has not been established as a mechanism of disease. Since supporting evidence is limited at this time, the clinical significance of this alteration remains unclear.

Fulgent Genetics
Classification: Uncertain significance for Progressive familial heart block type IB; Erythrokeratodermia variabilis et progressiva 6. Last evaluated: 2021-08-01. Review status: criteria provided, single submitter. Criteria: ACMG Guidelines, 2015. Collection method: clinical testing. Allele origin: unknown.

Labcorp Genetics (formerly Invitae), Labcorp
Classification: Uncertain significance for Progressive familial heart block type IB. Last evaluated: 2020-10-10. Review status: criteria provided, single submitter. Criteria: Invitae Variant Classification Sherloc (09022015). Collection method: clinical testing. Allele origin: germline.
Comment: In summary, the available evidence is currently insufficient to determine the role of this variant in disease. Therefore, it has been classified as a Variant of Uncertain Significance. The current clinical and genetic evidence is not sufficient to establish whether loss-of-function variants in TRPM4 cause disease. This variant has not been reported in the literature in individuals with TRPM4-related disease. While this variant is not present in population databases, the frequency information is unreliable, as metrics indicate poor data quality at this position in the ExAC database. This sequence change creates a premature translational stop signal (p.Ser839Glnfs*120) in the TRPM4 gene. It is expected to result in an absent or disrupted protein product.

NM_017636.4(TRPM4):c.2513dup (p.Ser839fs)

Gene: TRPM4 (transient receptor potential cation channel subfamily M member 4; plus strand). Cytogenetic location: 19q13.33.
Variant type: Duplication.
Coding change: c.2513dup on transcript NM_017636.4 (MANE Select); coding-DNA position 2513, one base duplicated (G; older notation c.2513dupG).
Protein change: p.Ser839fs; shifts the reading frame from serine 839.
Molecular consequence: frameshift variant. On other transcripts: intron variant (1).
Genome position (GRCh38, 1-based): chr19:49,196,742, G duplicated; the last of 5 consecutive G bases (chr19:49,196,738-49,196,742); duplicating any one gives the same sequence. VCF-style (leftmost placement, unchanged base first): chr19-49196737-C-CG. GRCh37 (hg19) VCF-style: chr19-49699994-C-CG.
Other names: c.2168dup, p.Ser724fs (NM_001321281.2); c.905dup, p.Ser303fs (NM_001321282.2); c.1991dup, p.Ser665fs (NM_001321283.2); c.1451dup, p.Ser485fs (NM_001321285.2); c.2211-3558dup (NM_001195227.2); c.2513dupG (NM_017636.3); short protein forms S485fs, S724fs, S839fs, S303fs, S665fs.
Identifiers: ClinVar variation 536792 (VCV000536792.9), dbSNP rs747536688, ClinGen allele CA633890835.
Genomic context (GRCh38, chr19:49,196,737, plus strand): 5'-GCTCTATTTCTGGGCTTTCACGCTGCTGTGCGAGGAACTGCGCCAGGGCCTGAGCGGAGG[C>CG]GGGGGCAGCCTCGCCAGCGGGGGCCCCGGGCCTGGCCATGCCTCACTGAGCCAGCGCCTG-3'